The following is an entry in ClinVar:

ClinVar aggregate classification (germline): Uncertain significance (1 of 4 stars; one submission).

Conditions:
Neurofibromatosis, type 1 (NF1). Also called: Neurofibromatosis, type I; NEUROFIBROMATOSIS, TYPE I, SOMATIC; Peripheral type neurofibromatosis; VON RECKLINGHAUSEN DISEASE. Identifiers: Orphanet 636, MedGen C0027831, MONDO:0018975, OMIM 162200. Disease mechanism: loss of function.

Submission:

Labcorp Genetics (formerly Invitae), Labcorp
Classification: Uncertain significance for Neurofibromatosis, type 1. Last evaluated: 2023-06-01. Review status: criteria provided, single submitter. Criteria: Invitae Variant Classification Sherloc (09022015). Collection method: clinical testing. Allele origin: germline.
Comment: Experimental studies and prediction algorithms are not available or were not evaluated, and the functional significance of this variant is currently unknown. In summary, the available evidence is currently insufficient to determine the role of this variant in disease. Therefore, it has been classified as a Variant of Uncertain Significance. This variant has not been reported in the literature in individuals affected with NF1-related conditions. This variant is not present in population databases (gnomAD no frequency). This variant, c.6236_6241del, is a complex sequence change that results in the deletion of 3 and insertion of 1 amino acid(s) in the NF1 protein (p.Leu2079_Tyr2081delinsHis).

NM_001042492.3(NF1):c.6299_6304del (p.Leu2100_Tyr2102delinsHis)

Gene: NF1 (neurofibromin 1; plus strand). Cytogenetic location: 17q11.2.
Variant type: Deletion.
Coding change: c.6299_6304del on transcript NM_001042492.3 (MANE Select); coding-DNA positions 6299 to 6304, 6 bases deleted (TTCCCT; older notation c.6299_6304delTTCCCT).
Protein change: p.Leu2100_Tyr2102delinsHis.
Molecular consequence: inframe indel.
Genome position (GRCh38, 1-based): chr17:31,336,786-31,336,791, TTCCCT deleted. VCF-style (leftmost placement, unchanged base first): chr17-31336785-CTTCCCT-C. GRCh37 (hg19) VCF-style: chr17-29663803-CTTCCCT-C.
Other names: c.6236_6241delTTCCCT, p.Leu2079_Tyr2081delinsHis (NM_000267.4).
Identifiers: ClinVar variation 2867009 (VCV002867009.3), dbSNP rs2508749145, ClinGen allele CA2739267418.